The following is an entry in ClinVar:

ClinVar aggregate classification (germline): Uncertain significance (1 of 4 stars; one submission).

Conditions:
Familial focal epilepsy with variable foci (FPEVF). Identifiers: Orphanet 98820, MedGen C1858477, MONDO:0020310.

Submission:

Labcorp Genetics (formerly Invitae), Labcorp
Classification: Uncertain significance for Familial focal epilepsy with variable foci. Last evaluated: 2023-08-17. Review status: criteria provided, single submitter. Criteria: Invitae Variant Classification Sherloc (09022015). Collection method: clinical testing. Allele origin: germline.
Comment: This sequence change replaces glycine, which is neutral and non-polar, with arginine, which is basic and polar, at codon 1422 of the DEPDC5 protein (p.Gly1422Arg). This variant is not present in population databases (gnomAD no frequency). This variant has not been reported in the literature in individuals affected with DEPDC5-related conditions. ClinVar contains an entry for this variant (Variation ID: 956080). Experimental studies and prediction algorithms are not available or were not evaluated, and the functional significance of this variant is currently unknown. In summary, the available evidence is currently insufficient to determine the role of this variant in disease. Therefore, it has been classified as a Variant of Uncertain Significance.

NM_001242896.3(DEPDC5):c.4264G>A (p.Gly1422Arg)

Gene: DEPDC5 (DEP domain containing 5, GATOR1 subcomplex subunit; plus strand). Cytogenetic location: 22q12.3.
Variant type: single nucleotide variant.
Coding change: c.4264G>A on transcript NM_001242896.3 (MANE Select); coding-DNA position 4264, G replaced by A.
Protein change: p.Gly1422Arg; replaces glycine 1422 with arginine.
Molecular consequence: missense variant. On other transcripts: non-coding transcript variant (5).
Genome position (GRCh38, 1-based): chr22:31,897,542, G>A. VCF-style: chr22-31897542-G-A. GRCh37 (hg19) VCF-style: chr22-32293528-G-A.
Other names: c.4237G>A, p.Gly1413Arg (NM_001136029.4); c.3964G>A, p.Gly1322Arg (NM_001242897.2); c.4198G>A, p.Gly1400Arg (NM_001363852.2, NM_001364320.2); c.4030G>A, p.Gly1344Arg (NM_001363854.2, NM_001364319.2); c.4264G>A, p.Gly1422Arg (NM_001364318.2); c.4180G>A, p.Gly1394Arg (NM_001369901.1, NM_001369902.1); c.4171G>A, p.Gly1391Arg (NM_001369903.1, NM_014662.6); short protein forms G1400R, G1413R, G1394R, G1422R, G1322R, G1344R, G1391R.
Identifiers: ClinVar variation 956080 (VCV000956080.9), dbSNP rs2093575232, ClinGen allele CA411288234.